The following is an entry in ClinVar:

NM_000520.6(HEXA):c.568_569del (p.Leu190fs)

Gene: HEXA (hexosaminidase subunit alpha; minus strand). Cytogenetic location: 15q23.
Variant type: Microsatellite.
Coding change: c.568_569del on transcript NM_000520.6 (MANE Select); coding-DNA positions 568 to 569, 2 bases deleted (CT; older notation c.568_569delCT).
Protein change: p.Leu190fs; shifts the reading frame from leucine 190.
Molecular consequence: frameshift variant. On other transcripts: non-coding transcript variant (1).
Genome position (GRCh38, 1-based): chr15:72,353,069-72,353,070, AG deleted on the plus strand (CT on the coding strand, the reverse complement: HEXA is on the minus strand); deleting any 2 consecutive bases within chr15:72,353,069-72,353,072 gives the same sequence; the c. name uses the placement nearest the transcript's 3' end. VCF-style (leftmost placement, unchanged base first): chr15-72353068-CAG-C. GRCh37 (hg19) VCF-style: chr15-72645409-CAG-C.
Other names: L190GfsX7; c.568_569delCT (NM_000520.6); c.601_602del, p.Leu201fs (NM_001318825.2); c.568_569del (NM_000520.5); short protein forms L190fs, L201fs.
Identifiers: ClinVar variation 981050 (VCV000981050.7), dbSNP rs2088721832, ClinGen allele CA2186746478.

ClinVar aggregate classification (germline): Pathogenic. Review status: criteria provided, multiple submitters, no conflicts (2 of 4 stars). 3 submissions from 3 submitters: Pathogenic (2). 1 of the submissions does not count toward it. Last evaluated 2024-09-28.

Conditions:
Tay-Sachs disease (TSD). Also called: Hexosaminidase A Deficiency; HEXA Disorders; GM2 gangliosidosis, type 1; Hexosaminidase alpha-subunit deficiency (variant B); Sphingolipidosis, Tay-Sachs; HEXA DEFICIENCY. Identifiers: Orphanet 845, MedGen C0039373, MONDO:0010100, OMIM 272800.

Submissions (3):

Natera, Inc.
Classification: Pathogenic for Tay-Sachs disease. Last evaluated: 2024-09-28. Review status: criteria provided, single submitter. Criteria: Natera Variant Classification Schema (03/2026). Collection method: clinical testing. Allele origin: germline.
Comment: The c.568_569del variant in HEXA is a frameshift variant predicted to shift the reading frame beginning at codon 190 and leads to a stop codon 7 codons downstream. This variant is expected to result in nonsense mediated decay, truncation, or a dysfunctional protein product. This variant is rare in the general population with a frequency below the threshold expected for the associated phenotype(s). This variant has been observed in one or more individuals affected with the associated recessive disease, as either homozygous or compound heterozygous with a second variant (PMID: 37597066). Given the available evidence, this variant is classified as Pathogenic.

Labcorp Genetics (formerly Invitae), Labcorp
Classification: Pathogenic for Tay-Sachs disease. Last evaluated: 2023-01-31. Review status: criteria provided, single submitter. Criteria: Invitae Variant Classification Sherloc (09022015). Collection method: clinical testing. Allele origin: germline.
Comment: For these reasons, this variant has been classified as Pathogenic. This variant has not been reported in the literature in individuals affected with HEXA-related conditions. This variant is not present in population databases (gnomAD no frequency). This sequence change creates a premature translational stop signal (p.Leu190Glyfs*7) in the HEXA gene. It is expected to result in an absent or disrupted protein product. Loss-of-function variants in HEXA are known to be pathogenic (PMID: 1833974, 8490625).

Myelin Disorders Clinic-Children's Medical Center/Medical Genetics Lab-Tarbiat Modares University, Children's Medical Center, Pediatrics Center of Excellence,
Classification: Likely pathogenic for Tay-Sachs disease. Review status: no assertion criteria provided. Collection method: clinical testing. Allele origin: inherited. Affected: yes. Not counted in ClinVar's aggregate classification.

Literature cited by the submitters: PubMed 37597066 (cited by Natera, Inc.); PubMed 1833974 (cited by Labcorp Genetics (formerly Invitae), Labcorp); PubMed 8490625 (cited by Labcorp Genetics (formerly Invitae), Labcorp).